The following is an entry in ClinVar:

NM_001042492.3(NF1):c.3871-2A>T

Gene: NF1 (neurofibromin 1; plus strand). Cytogenetic location: 17q11.2.
Variant type: single nucleotide variant.
Coding change: c.3871-2A>T on transcript NM_001042492.3 (MANE Select); the canonical splice acceptor site of the intron before coding-DNA position 3871, A replaced by T.
Molecular consequence: splice acceptor variant.
Genome position (GRCh38, 1-based): chr17:31,235,916, A>T. VCF-style: chr17-31235916-A-T. GRCh37 (hg19) VCF-style: chr17-29562934-A-T.
Other names: c.3871-2A>T (NM_000267.4).
Identifiers: ClinVar variation 4857614 (VCV004857614.1).

ClinVar aggregate classification (germline): Pathogenic (1 of 4 stars; one submission).

Conditions:
Neurofibromatosis, type 1 (NF1). Also called: NEUROFIBROMATOSIS, TYPE I, SOMATIC; Peripheral type neurofibromatosis; Neurofibromatosis, type I; VON RECKLINGHAUSEN DISEASE. Identifiers: Orphanet 636, MedGen C0027831, MONDO:0018975, OMIM 162200. Disease mechanism: loss of function.

Submission:

Regional Center For Medical Genetics Timis, Louis Turcanu Emergency Hospital for Children Timisoara
Classification: Pathogenic for Neurofibromatosis, type 1. Review status: criteria provided, single submitter. Criteria: ACMG Guidelines, 2015. Collection method: clinical testing. Allele origin: unknown. Affected: yes.
Comment: The variant is absent from the population databases (gnomAD). In silico predictions indicate that this variant has a strong impact on the adjacent canonical splice site. This event is associated with exon skipping from the final transcript, resulting in a reading frameshift and loss of function. At the same canonical splice site, at least one intronic variant classified as pathogenic has been reported (c.3871-1G>A) in association with neurofibromatosis type 1, with in silico predictions comparable to those of the current variant (PP3, PS1). The reported phenotype is consistent with the NF1 locus, which has a known molecular diagnostic rate exceeding 95%, near-complete disease penetrance, and autosomal dominant inheritance (PP4_Strong, PP1_Supporting). For these reasons, the variant was classified as pathogenic.